The following is an entry in ClinVar:

NM_001042492.3(NF1):c.5680G>T (p.Glu1894Ter)

Gene: NF1 (neurofibromin 1; plus strand). Cytogenetic location: 17q11.2.
Variant type: single nucleotide variant.
Coding change: c.5680G>T on transcript NM_001042492.3 (MANE Select); coding-DNA position 5680, G replaced by T.
Protein change: p.Glu1894Ter; replaces glutamic acid 1894 with a stop codon.
Molecular consequence: nonsense.
Genome position (GRCh38, 1-based): chr17:31,330,366, G>T. VCF-style: chr17-31330366-G-T. GRCh37 (hg19) VCF-style: chr17-29657384-G-T.
Other names: c.5617G>T, p.Glu1873Ter (NM_000267.4); short protein forms E1894*, E1873*.
Identifiers: ClinVar variation 653673 (VCV000653673.1), dbSNP rs774893767, ClinGen allele CA399010240.

ClinVar aggregate classification (germline): Pathogenic (1 of 4 stars; one submission).

Conditions:
Neurofibromatosis, type 1 (NF1). Also called: VON RECKLINGHAUSEN DISEASE; NEUROFIBROMATOSIS, TYPE I, SOMATIC; Peripheral type neurofibromatosis; Neurofibromatosis, type I. Identifiers: Orphanet 636, MedGen C0027831, MONDO:0018975, OMIM 162200. Disease mechanism: loss of function.

Submission:

Labcorp Genetics (formerly Invitae), Labcorp
Classification: Pathogenic for Neurofibromatosis, type 1. Last evaluated: 2018-12-06. Review status: criteria provided, single submitter. Criteria: Invitae Variant Classification Sherloc (09022015). Collection method: clinical testing. Allele origin: germline.
Comment: This sequence change creates a premature translational stop signal (p.Glu1873*) in the NF1 gene. It is expected to result in an absent or disrupted protein product. This variant is not present in population databases (ExAC no frequency). This variant has not been reported in the literature in individuals with NF1-related conditions. Loss-of-function variants in NF1 are known to be pathogenic (PMID: 10712197, 23913538). For these reasons, this variant has been classified as Pathogenic.